The following is an entry in ClinVar:

ClinVar aggregate classification (germline): Likely pathogenic (1 of 4 stars; one submission).

Conditions:
Hereditary spherocytosis type 1. Also called: Spherocytosis type 1; ANK1-Related Spherocytosis. Identifiers: Orphanet 822, MedGen C2674218, MONDO:0008447, OMIM 182900.

Submission:

Juno Genomics, Hangzhou Juno Genomics, Inc
Classification: Likely pathogenic for Hereditary spherocytosis type 1. Review status: criteria provided, single submitter. Criteria: ACMG Guidelines, 2015. Collection method: clinical testing. Allele origin: germline. Affected: yes.
Comment: Absent from controls (or at extremely low frequency if recessive) in Genome Aggregation Database, Exome Sequencing Project, 1000 Genomes Project, or Exome Aggregation Consortium.;Null variant in a gene where loss of function (LOF) is a known mechanism of disease.

NM_000037.4(ANK1):c.4095dup (p.Cys1366fs)

Gene: ANK1 (ankyrin 1; minus strand). Cytogenetic location: 8p11.21.
Variant type: Duplication.
Coding change: c.4095dup on transcript NM_000037.4 (MANE Select); coding-DNA position 4095, one base duplicated (C; older notation c.4095dupC).
Protein change: p.Cys1366fs; shifts the reading frame from cysteine 1366.
Molecular consequence: frameshift variant.
Genome position (GRCh38, 1-based): chr8:41,690,236, G duplicated on the plus strand (C on the coding strand, the reverse complement: ANK1 is on the minus strand); the first of 6 consecutive G bases (chr8:41,690,236-41,690,241); duplicating any one gives the same sequence. VCF-style (leftmost placement, unchanged base first): chr8-41690235-A-AG. GRCh37 (hg19) VCF-style: chr8-41547753-A-AG.
Other names: c.4218dup, p.Cys1407fs (NM_001142446.2); c.4095dup, p.Cys1366fs (NM_020475.3, NM_020476.3, NM_020477.3); short protein forms C1366fs, C1407fs.
Identifiers: ClinVar variation 3382172 (VCV003382172.2).
Genomic context (GRCh38, chr8:41,690,235, plus strand): 5'-TCCTACAGGGAAGCCGTCTCGGGCCAAGGCTCCTCGGCAGGTGCCAGCTCACCTTGGCGC[A>AG]GGGGGGCATGGTGATGTTCAGGTGGCAGAGAATGTGCTGGGTGTCCTCGTACTTCATCGC-3'